The following is an entry in ClinVar:

ClinVar aggregate classification (germline): Likely benign (0 of 4 stars; one submission).

Conditions:
P4HA2-related disorder. Also called: P4HA2-related condition.

Allele frequency attached by ClinVar (database versions not stated): gnomAD exomes 0.00006; ExAC 0.00016; 1000 Genomes Project 30x 0.00062; 1000 Genomes Project 0.00080.
gnomAD v4.1: 85 of 1,614,046 alleles (0.0053%); highest among the groups gnomAD compares: South Asian, 0.092%; 2 homozygotes.

Submission:

PreventionGenetics, part of Exact Sciences
Classification: Likely benign for P4HA2-related condition. Last evaluated: 2019-04-19. Review status: no assertion criteria provided. Collection method: clinical testing. Allele origin: germline.
Comment: This variant is classified as likely benign based on ACMG/AMP sequence variant interpretation guidelines (Richards et al. 2015 PMID: 25741868, with internal and published modifications).

NM_001017974.2(P4HA2):c.1347A>G (p.Leu449=)

Gene: P4HA2 (prolyl 4-hydroxylase subunit alpha 2; minus strand). Cytogenetic location: 5q31.1.
Variant type: single nucleotide variant.
Coding change: c.1347A>G on transcript NM_001017974.2 (MANE Select); coding-DNA position 1347, A replaced by G.
Protein change: p.Leu449=; no amino-acid change (leucine 449 retained).
Molecular consequence: synonymous variant. On other transcripts: intron variant (3).
Genome position (GRCh38, 1-based): chr5:132,198,339, T>C on the plus strand (A>G on the coding strand, the complement: P4HA2 is on the minus strand). VCF-style: chr5-132198339-T-C. GRCh37 (hg19) VCF-style: chr5-131534032-T-C.
Other names: c.1347A>G, p.Leu449= (NM_001017973.1, NM_001142598.2, NM_001365678.2 and 2 more transcripts); c.1170A>G, p.Leu390= (NM_001365681.2); c.1306-68A>G (NM_001365677.2, NM_001142599.2, NM_004199.3).
Identifiers: ClinVar variation 3058662 (VCV003058662.2), dbSNP rs202230111, ClinGen allele CA3402439.